The following is an entry in ClinVar:

NM_000059.4(BRCA2):c.6444T>C (p.Ser2148=)

Gene: BRCA2 (BRCA2 DNA repair associated; plus strand). Cytogenetic location: 13q13.1.
Variant type: single nucleotide variant.
Coding change: c.6444T>C on transcript NM_000059.4 (MANE Select); coding-DNA position 6444, T replaced by C.
Protein change: p.Ser2148=; no amino-acid change (serine 2148 retained).
Molecular consequence: synonymous variant.
Genome position (GRCh38, 1-based): chr13:32,340,799, T>C. VCF-style: chr13-32340799-T-C. GRCh37 (hg19) VCF-style: chr13-32914936-T-C.
Identifiers: ClinVar variation 415692 (VCV000415692.24), dbSNP rs771131099, ClinGen allele CA6940956.

ClinVar aggregate classification (germline): Likely benign. Review status: reviewed by expert panel (3 of 4 stars). 8 submissions from 8 submitters: Likely benign (1). 7 of the submissions do not count toward it. Last evaluated 2017-06-29.

Conditions:
Hereditary cancer-predisposing syndrome. Also called: Tumor predisposition; Neoplastic Syndromes, Hereditary; Hereditary Cancer Syndrome; Hereditary neoplastic syndrome. Identifiers: Orphanet 140162, MedGen C0027672, MeSH D009386, MONDO:0015356.
Hereditary breast ovarian cancer syndrome. Also called: Hereditary breast and ovarian cancer; Hereditary breast and ovarian cancer syndrome (HBOC); Hereditary breast and/or ovarian cancer syndrome; Breast and ovarian cancer; Hereditary breast and ovarian cancer syndrome; BRCA1- and BRCA2-Associated Hereditary Breast and Ovarian Cancer. Identifiers: Orphanet 145, MedGen C0677776, MeSH D061325, MONDO:0003582. Disease mechanism: loss of function.
Breast-ovarian cancer, familial, susceptibility to, 2 (BROVCA2). Also called: BRCA2 Hereditary Breast and Ovarian Cancer. Identifiers: Orphanet 145, MedGen C2675520, MONDO:0012933, OMIM 612555. Disease mechanism: loss of function.

Allele frequency attached by ClinVar (database versions not stated): gnomAD exomes 0.00002 and 0.00003; ExAC 0.00003.
gnomAD v4.1: 30 of 1,592,250 alleles (0.0019%); highest among the groups gnomAD compares: Middle Eastern, 0.017%; no homozygotes.

Submissions (8):

Evidence-based Network for the Interpretation of Germline Mutant Alleles (ENIGMA)
Classification: Likely benign for Breast-ovarian cancer, familial, susceptibility to, 2. Last evaluated: 2017-06-29. Review status: reviewed by expert panel. Criteria: ENIGMA BRCA1/2 Classification Criteria (2017-06-29). Collection method: curation. Allele origin: germline.
Comment: Synonymous substitution variant, with low bioinformatic likelihood to result in a splicing aberration (Splicing prior probability 0.02).

Center for Genomic Medicine, Rigshospitalet, Copenhagen University Hospital
Classification: Likely benign. Last evaluated: 2025-12-29. Review status: criteria provided, single submitter. Criteria: ACMG Guidelines, 2015. Collection method: clinical testing. Allele origin: germline. Not counted in ClinVar's aggregate classification.

Labcorp Genetics (formerly Invitae), Labcorp
Classification: Likely benign for Hereditary breast ovarian cancer syndrome. Last evaluated: 2025-11-10. Review status: criteria provided, single submitter. Criteria: Invitae Variant Classification Sherloc (09022015). Collection method: clinical testing. Allele origin: germline. Not counted in ClinVar's aggregate classification.

All of Us Research Program, National Institutes of Health
Classification: Likely benign for Breast-ovarian cancer, familial, susceptibility to, 2. Last evaluated: 2023-07-22. Review status: criteria provided, single submitter. Criteria: ACMG Guidelines, 2015. Collection method: clinical testing. Allele origin: germline. Inheritance: Autosomal dominant inheritance. Observed: 1 variant allele, 1 heterozygote. Not counted in ClinVar's aggregate classification.
Comment: This study involves interpretation of variants in research participants for the purpose of population health screening. Participant phenotype was not available at the time of variant classification. Additional details can be found in publication PMID: 35346344, PMCID: PMC8962531

Color Diagnostics, LLC DBA Color Health
Classification: Likely benign for Hereditary cancer-predisposing syndrome. Last evaluated: 2022-05-18. Review status: criteria provided, single submitter. Criteria: ACMG Guidelines, 2015. Collection method: clinical testing. Allele origin: germline. Not counted in ClinVar's aggregate classification.

Genetic Services Laboratory, University of Chicago
Classification: Likely benign. Last evaluated: 2019-10-02. Review status: criteria provided, single submitter. Criteria: ACMG Guidelines, 2015. Collection method: clinical testing. Allele origin: germline. Affected: no. Not counted in ClinVar's aggregate classification.

Quest Diagnostics Nichols Institute San Juan Capistrano
Classification: Likely benign. Last evaluated: 2017-10-06. Review status: criteria provided, single submitter. Criteria: Quest Diagnostics criteria. Collection method: clinical testing. Allele origin: germline. Not counted in ClinVar's aggregate classification.

Ambry Genetics
Classification: Likely benign for Hereditary cancer-predisposing syndrome. Last evaluated: 2016-01-07. Review status: criteria provided, single submitter. Criteria: Ambry Variant Classification Scheme 2023. Collection method: clinical testing. Allele origin: germline. Not counted in ClinVar's aggregate classification.